The following is an entry in ClinVar:

NM_198578.4(LRRK2):c.6028G>A (p.Ala2010Thr)

Gene: LRRK2 (leucine rich repeat kinase 2; plus strand). Cytogenetic location: 12q12.
Variant type: single nucleotide variant.
Coding change: c.6028G>A on transcript NM_198578.4 (MANE Select); coding-DNA position 6028, G replaced by A.
Protein change: p.Ala2010Thr; replaces alanine 2010 with threonine.
Molecular consequence: missense variant.
Genome position (GRCh38, 1-based): chr12:40,340,373, G>A. VCF-style: chr12-40340373-G-A. GRCh37 (hg19) VCF-style: chr12-40734175-G-A.
Other names: short protein forms A2010T.
Identifiers: ClinVar variation 2137314 (VCV002137314.4), dbSNP rs1946003687, ClinGen allele CA384403844.

ClinVar aggregate classification (germline): Uncertain significance (1 of 4 stars; one submission).

Conditions:
Autosomal dominant Parkinson disease 8. Also called: Parkinson disease 8, susceptibility to; LRRK2-Related Parkinson Disease; Parkinson disease 8. Identifiers: Orphanet 411602, MedGen C1846862, MONDO:0011764, OMIM 607060.

Allele frequency attached by ClinVar (database versions not stated): gnomAD exomes below 0.00001; TOPMed below 0.00001.
gnomAD v4.1: 2 of 1,613,854 alleles (0.00012%); highest among the groups gnomAD compares: Non-Finnish European, 0.00017%; no homozygotes.

Submission:

Labcorp Genetics (formerly Invitae), Labcorp
Classification: Uncertain significance for Autosomal dominant Parkinson disease 8. Last evaluated: 2022-01-05. Review status: criteria provided, single submitter. Criteria: Invitae Variant Classification Sherloc (09022015). Collection method: clinical testing. Allele origin: germline.
Comment: In summary, the available evidence is currently insufficient to determine the role of this variant in disease. Therefore, it has been classified as a Variant of Uncertain Significance. Algorithms developed to predict the effect of missense changes on protein structure and function (SIFT, PolyPhen-2, Align-GVGD) all suggest that this variant is likely to be tolerated. This missense change has been observed in individual(s) with Parkinson disease (PMID: 23726462). This variant is not present in population databases (gnomAD no frequency). This sequence change replaces alanine, which is neutral and non-polar, with threonine, which is neutral and polar, at codon 2010 of the LRRK2 protein (p.Ala2010Thr).

Literature cited by the submitters: PubMed 23726462.